The following is an entry in ClinVar:

ClinVar aggregate classification (germline): Likely pathogenic (1 of 4 stars; one submission).

Conditions:
Propionic acidemia (PROP). Also called: GLYCINEMIA, KETOTIC; HYPERGLYCINEMIA WITH KETOACIDOSIS AND LEUKOPENIA; KETOTIC HYPERGLYCINEMIA. Identifiers: Orphanet 35, MedGen C0268579, MONDO:0011628, OMIM 606054, HP:0003571.

Submission:

Myriad Genetics, Inc.
Classification: Likely pathogenic for Propionic acidemia. Last evaluated: 2022-04-06. Review status: criteria provided, single submitter. Criteria: Myriad Women's Health Autosomal Recessive and X-Linked Classification Criteria (2021). Collection method: clinical testing. Allele origin: unknown.
Comment: NM_000532.4(PCCB):c.1302_1303delCT(Y435Wfs*5) is expected to be pathogenic in the context of PCCB-related propionic acidemia. This variant is predicted to lead to an abnormal or absent protein product due to the creation of a premature termination codon in PCCB, a gene where loss-of-function variants are known to be pathogenic. Please note: this variant was assessed in the context of healthy population screening.

NM_000532.5(PCCB):c.1302_1303del (p.Tyr435fs)

Gene: PCCB (propionyl-CoA carboxylase subunit beta; plus strand). Cytogenetic location: 3q22.3.
Variant type: Deletion.
Coding change: c.1302_1303del on transcript NM_000532.5 (MANE Select); coding-DNA positions 1302 to 1303, 2 bases deleted (CT; older notation c.1302_1303delCT).
Protein change: p.Tyr435fs; shifts the reading frame from tyrosine 435.
Molecular consequence: frameshift variant.
Genome position (GRCh38, 1-based): chr3:136,327,636-136,327,637, CT deleted. VCF-style (leftmost placement, unchanged base first): chr3-136327635-CCT-C. GRCh37 (hg19) VCF-style: chr3-136046477-CCT-C.
Other names: c.1362_1363del, p.Tyr455fs (NM_001178014.2); short protein forms Y435fs, Y455fs.
Identifiers: ClinVar variation 1725892 (VCV001725892.2), dbSNP rs2529974081, ClinGen allele CA2580068869.